The following is an entry in ClinVar:

ClinVar aggregate classification (germline): Pathogenic/Likely pathogenic. Review status: criteria provided, multiple submitters, no conflicts (2 of 4 stars). 4 submissions from 4 submitters: Pathogenic (3); Likely pathogenic (1). Last evaluated 2026-01-18.

Conditions:
Hereditary nonpolyposis colorectal neoplasms. Identifiers: MedGen C0009405, MeSH D003123.
Hereditary cancer-predisposing syndrome. Also called: Neoplastic Syndromes, Hereditary; Tumor predisposition; Hereditary Cancer Syndrome; Hereditary neoplastic syndrome. Identifiers: Orphanet 140162, MedGen C0027672, MeSH D009386, MONDO:0015356.
Lynch syndrome 5 (LYNCH5). Also called: Hereditary non-polyposis colorectal cancer, type 5; Colorectal cancer, hereditary nonpolyposis, type 5. Identifiers: Orphanet 144, MedGen C1833477, MONDO:0013710, OMIM 614350. Disease mechanism: loss of function.

Submissions (4):

Labcorp Genetics (formerly Invitae), Labcorp
Classification: Pathogenic for Hereditary nonpolyposis colorectal neoplasms. Last evaluated: 2026-01-18. Review status: criteria provided, single submitter. Criteria: Invitae Variant Classification Sherloc (09022015). Collection method: clinical testing. Allele origin: germline.
Comment: This sequence change creates a premature translational stop signal (p.Cys615Serfs*23) in the MSH6 gene. It is expected to result in an absent or disrupted protein product. Loss-of-function variants in MSH6 are known to be pathogenic (PMID: 18269114, 24362816). This variant is not present in population databases (gnomAD no frequency). This variant has not been reported in the literature in individuals affected with MSH6-related conditions. ClinVar contains an entry for this variant (Variation ID: 2022081). For these reasons, this variant has been classified as Pathogenic.

Ambry Genetics
Classification: Pathogenic for Hereditary cancer-predisposing syndrome. Last evaluated: 2024-04-11. Review status: criteria provided, single submitter. Criteria: Ambry Variant Classification Scheme 2023. Collection method: clinical testing. Allele origin: germline.
Comment: The c.1844_1848delGTTCT pathogenic mutation, located in coding exon 4 of the MSH6 gene, results from a deletion of 5 nucleotides at nucleotide positions 1844 to 1848, causing a translational frameshift with a predicted alternate stop codon (p.C615Sfs*23). This variant is considered to be rare based on population cohorts in the Genome Aggregation Database (gnomAD). This alteration is expected to result in loss of function by premature protein truncation or nonsense-mediated mRNA decay. As such, this alteration is interpreted as a disease-causing mutation.

Myriad Genetics, Inc.
Classification: Pathogenic for Lynch syndrome 5. Last evaluated: 2023-08-15. Review status: criteria provided, single submitter. Criteria: Myriad Autosomal Dominant, Autosomal Recessive and X-Linked Classification Criteria (2023). Collection method: clinical testing. Allele origin: unknown.
Comment: This variant is considered pathogenic. This variant creates a frameshift predicted to result in premature protein truncation.

Quest Diagnostics Nichols Institute San Juan Capistrano
Classification: Likely pathogenic. Last evaluated: 2023-03-15. Review status: criteria provided, single submitter. Criteria: Quest Diagnostics criteria. Collection method: clinical testing. Allele origin: unknown.
Comment: This frameshift variant alters the translational reading frame of the MSH6 mRNA and is predicted to cause the premature termination of MSH6 protein synthesis. The variant has not been reported in individuals with MSH6-related diseases in the published literature. It also has not been reported in large, multi-ethnic general populations. Based on the available information, this variant is classified as likely pathogenic.

Literature cited by the submitters: PubMed 18269114 (cited by Labcorp Genetics (formerly Invitae), Labcorp); PubMed 24362816 (cited by Labcorp Genetics (formerly Invitae), Labcorp).

NM_000179.3(MSH6):c.1844_1848del (p.Cys615fs)

Gene: MSH6 (mutS homolog 6; plus strand). Cytogenetic location: 2p16.3.
Variant type: Deletion.
Coding change: c.1844_1848del on transcript NM_000179.3 (MANE Select); coding-DNA positions 1844 to 1848, 5 bases deleted (GTTCT; older notation c.1844_1848delGTTCT).
Protein change: p.Cys615fs; shifts the reading frame from cysteine 615.
Molecular consequence: frameshift variant.
Genome position (GRCh38, 1-based): chr2:47,799,827-47,799,831, GTTCT deleted; deleting any 5 consecutive bases within chr2:47,799,825-47,799,831 gives the same sequence; the c. name uses the placement nearest the transcript's 3' end. VCF-style (leftmost placement, unchanged base first): chr2-47799824-CCTGTT-C. GRCh37 (hg19) VCF-style: chr2-48026963-CCTGTT-C.
Other names: c.1844_1848del (NM_000179.2); c.1844_1848delGTTCT, p.Cys615Serfs (NM_000179.2, NM_001406796.1, NM_001406798.1 and 4 more transcripts); c.1454_1458del, p.Cys485fs (NM_001281492.2); c.938_942del, p.Cys313fs (NM_001281493.2, NM_001281494.2); c.1940_1944delGTTCT, p.Cys647Serfs (NM_001406795.1, NM_001406802.1); c.1547_1551delGTTCT, p.Cys516Serfs (NM_001406797.1, NM_001406801.1, NM_001406805.1 and 10 more transcripts); c.1319_1323delGTTCT, p.Cys440Serfs (NM_001406799.1, NM_001406806.1, NM_001406807.1); c.1766_1770delGTTCT, p.Cys589Serfs (NM_001406804.1); and 3 more; short protein forms C313fs, C485fs, C615fs.
Identifiers: ClinVar variation 2022081 (VCV002022081.7), dbSNP rs2530633683, ClinGen allele CA2580067711.